The following is an entry in ClinVar:

ClinVar aggregate classification (germline): Uncertain significance (1 of 4 stars; one submission).

Submission:

Labcorp Genetics (formerly Invitae), Labcorp
Classification: Uncertain significance. Last evaluated: 2023-01-13. Review status: criteria provided, single submitter. Criteria: Invitae Variant Classification Sherloc (09022015). Collection method: clinical testing. Allele origin: germline.
Comment: This sequence change replaces isoleucine, which is neutral and non-polar, with methionine, which is neutral and non-polar, at codon 616 of the DSG1 protein (p.Ile616Met). This variant is not present in population databases (gnomAD no frequency). This variant has not been reported in the literature in individuals affected with DSG1-related conditions. Advanced modeling of protein sequence and biophysical properties (such as structural, functional, and spatial information, amino acid conservation, physicochemical variation, residue mobility, and thermodynamic stability) performed at Invitae indicates that this missense variant is not expected to disrupt DSG1 protein function. In summary, the available evidence is currently insufficient to determine the role of this variant in disease. Therefore, it has been classified as a Variant of Uncertain Significance.

NM_001942.4(DSG1):c.1848A>G (p.Ile616Met)

Genes: DSG1 (desmoglein 1; plus strand), DSG1-AS1 (DSG1 antisense RNA 1; minus strand). Cytogenetic location: 18q12.1.
Variant type: single nucleotide variant.
Coding change: c.1848A>G on transcript NM_001942.4 (MANE Select); coding-DNA position 1848, A replaced by G.
Protein change: p.Ile616Met; replaces isoleucine 616 with methionine.
Molecular consequence: missense variant.
Genome position (GRCh38, 1-based): chr18:31,343,952, A>G. VCF-style: chr18-31343952-A-G. GRCh37 (hg19) VCF-style: chr18-28923915-A-G.
Other names: short protein forms I616M.
Identifiers: ClinVar variation 2828290 (VCV002828290.3), dbSNP rs192546135, ClinGen allele CA402117565.